The following is an entry in ClinVar:

ClinVar aggregate classification (germline): Benign/Likely benign. Review status: criteria provided, multiple submitters, no conflicts (2 of 4 stars). 4 submissions from 4 submitters: Benign (3); Likely benign (1). Last evaluated 2024-11-26.

Allele frequency attached by ClinVar (database versions not stated): 1000 Genomes Project 30x 0.26640; 1000 Genomes Project 0.26937; ESP Exome Variant Server 0.27095; gnomAD 0.28023 and 0.28784; gnomAD exomes 0.32153 and 0.35707; ExAC 0.32915.
gnomAD v4.1: 537,861 of 1,538,740 alleles (35%); highest among the groups gnomAD compares: South Asian, 45%; 93,959 homozygotes.

Submissions (4):

Blueprint Genetics
Classification: Likely benign. Last evaluated: 2024-11-26. Review status: criteria provided, single submitter. Criteria: ACMG Guidelines, 2015. Collection method: clinical testing. Allele origin: germline.

Mayo Clinic Laboratories, Mayo Clinic
Classification: Benign. Last evaluated: 2022-10-27. Review status: criteria provided, single submitter. Criteria: ACMG Guidelines, 2015. Collection method: clinical testing. Allele origin: germline. Observed: 136 variant alleles.

GeneDx
Classification: Benign. Last evaluated: 2015-12-02. Review status: criteria provided, single submitter. Criteria: GeneDx Variant Classification (06012015). Collection method: clinical testing. Allele origin: germline. Affected: yes.
Comment: This variant is considered likely benign or benign based on one or more of the following criteria: it is a conservative change, it occurs at a poorly conserved position in the protein, it is predicted to be benign by multiple in silico algorithms, and/or has population frequency not consistent with disease.

Breakthrough Genomics
Classification: Benign. Review status: criteria provided, single submitter. Criteria: ACMG Guidelines, 2015. Collection method: not provided. Allele origin: germline. Inheritance: Autosomal recessive inheritance. Affected: yes.

NM_001277062.2(MFF):c.-40-862A>T

Gene: MFF (mitochondrial fission factor; plus strand). Cytogenetic location: 2q36.3.
Variant type: single nucleotide variant.
Coding change: c.-40-862A>T on transcript NM_001277062.2 (MANE Select); 862 bases into the intron before 40 bases upstream of the start codon, A replaced by T.
Molecular consequence: intron variant. On other transcripts: missense variant (2), 5 prime UTR variant (1).
Genome position (GRCh38, 1-based): chr2:227,329,764, A>T. VCF-style: chr2-227329764-A-T. GRCh37 (hg19) VCF-style: chr2-228194480-A-T.
Other names: p.Ser7Cys; c.19A>T, p.Ser7Cys (NM_001277061.2, NM_020194.5); c.-55A>T (NM_001277067.1); c.-40-862A>T (NM_001277063.2, NM_001277064.2, NM_001277065.2 and 2 more transcripts); short protein forms S7C.
Identifiers: ClinVar variation 379993 (VCV000379993.4), dbSNP rs3211097, ClinGen allele CA2147725.